The following is an entry in ClinVar:

NM_153240.5(NPHP3):c.2258A>G (p.His753Arg)

Genes: NPHP3-ACAD11 (NPHP3-ACAD11 readthrough (NMD candidate); minus strand), NPHP3 (nephrocystin 3; minus strand). Cytogenetic location: 3q22.1.
Variant type: single nucleotide variant.
Coding change: c.2258A>G on transcript NM_153240.5 (MANE Select); coding-DNA position 2258, A replaced by G.
Protein change: p.His753Arg; replaces histidine 753 with arginine.
Molecular consequence: missense variant. On other transcripts: non-coding transcript variant (1).
Genome position (GRCh38, 1-based): chr3:132,694,879, T>C on the plus strand (A>G on the coding strand, the complement: NPHP3 is on the minus strand). VCF-style: chr3-132694879-T-C. GRCh37 (hg19) VCF-style: chr3-132413723-T-C.
Other names: short protein forms H753R.
Identifiers: ClinVar variation 1305077 (VCV001305077.2), dbSNP rs1939405994, ClinGen allele CA354581726.

ClinVar aggregate classification (germline): Uncertain significance (1 of 4 stars; one submission).

Allele frequency attached by ClinVar (database versions not stated): gnomAD exomes below 0.00001.

Submission:

GeneDx
Classification: Uncertain significance. Last evaluated: 2019-04-10. Review status: criteria provided, single submitter. Criteria: GeneDx Variant Classification Process June 2021. Collection method: clinical testing. Allele origin: germline. Affected: yes.
Comment: Not observed in large population cohorts (Lek et al., 2016); In silico analysis, which includes protein predictors and evolutionary conservation, supports that this variant does not alter protein structure/function; Has not been previously published as pathogenic or benign to our knowledge